The following is an entry in ClinVar:

ClinVar aggregate classification (germline): Benign/Likely benign. Review status: criteria provided, multiple submitters, no conflicts (2 of 4 stars). 8 submissions from 8 submitters: Benign (4); Likely benign (4). Last evaluated 2026-08-01.

Allele frequency attached by ClinVar (database versions not stated): gnomAD 0.00378 and 0.00366; gnomAD exomes 0.00385 and 0.00469; ESP Exome Variant Server 0.00407; 1000 Genomes Project 30x 0.00141; 1000 Genomes Project 0.00160; ExAC 0.00374; TOPMed 0.00377.
gnomAD v4.1: 7,010 of 1,530,994 alleles (0.46%); highest among the groups gnomAD compares: Middle Eastern, 0.71%; 22 homozygotes.

Submissions (8):

CeGaT Center for Human Genetics Tuebingen
Classification: Likely benign. Last evaluated: 2026-08-01. Review status: criteria provided, single submitter. Criteria: CeGaT Center For Human Genetics Tuebingen Variant Classification Criteria Version 2. Collection method: clinical testing. Allele origin: germline. Affected: yes. Observed: 8 variant alleles.
Comment: RIPOR2: BP4, BP7, BS2

Labcorp Genetics (formerly Invitae), Labcorp
Classification: Benign. Last evaluated: 2026-02-02. Review status: criteria provided, single submitter. Criteria: Invitae Variant Classification Sherloc (09022015). Collection method: clinical testing. Allele origin: germline.

Blueprint Genetics
Classification: Likely benign. Last evaluated: 2024-11-26. Review status: criteria provided, single submitter. Criteria: ACMG Guidelines, 2015. Collection method: clinical testing. Allele origin: germline.

Athena Diagnostics
Classification: Benign. Last evaluated: 2020-08-05. Review status: criteria provided, single submitter. Criteria: Athena Diagnostics Criteria. Collection method: clinical testing. Allele origin: unknown.

Eurofins Ntd Llc (ga)
Classification: Likely benign. Last evaluated: 2018-09-11. Review status: criteria provided, single submitter. Criteria: EGL ClinVar v180209 classification definitions. Collection method: clinical testing. Allele origin: germline. Observed: 1 variant allele, 1 heterozygote.

GeneDx
Classification: Benign. Last evaluated: 2018-06-27. Review status: criteria provided, single submitter. Criteria: GeneDx Variant Classification Process June 2021. Collection method: clinical testing. Allele origin: germline. Affected: yes.

Laboratory for Molecular Medicine, Mass General Brigham Personalized Medicine
Classification: Benign. Last evaluated: 2017-08-23. Review status: criteria provided, single submitter. Criteria: LMM Criteria. Collection method: clinical testing. Allele origin: germline. Observed: 1 variant allele.
Comment: p.Asn609Asn in exon 14 of FAM65B: This variant is not expected to have clinical significance because it does not alter an amino acid residue, is not located wit hin the splice consensus sequence, and has been identified in 0.51% (326/64054) of European chromosomes by the Exome Aggregation Consortium (ExAC; dbSNP rs145837095).

Breakthrough Genomics
Classification: Likely benign. Review status: criteria provided, single submitter. Criteria: ACMG Guidelines, 2015. Collection method: not provided. Allele origin: germline. Inheritance: Autosomal recessive inheritance. Affected: yes.

NM_001286445.3(RIPOR2):c.1764T>C (p.Asn588=)

Gene: RIPOR2 (RHO family interacting cell polarization regulator 2; minus strand). Cytogenetic location: 6p22.3.
Variant type: single nucleotide variant.
Coding change: c.1764T>C on transcript NM_001286445.3 (MANE Select); coding-DNA position 1764, T replaced by C.
Protein change: p.Asn588=; no amino-acid change (asparagine 588 retained).
Molecular consequence: synonymous variant.
Genome position (GRCh38, 1-based): chr6:24,842,955, A>G on the plus strand (T>C on the coding strand, the complement: RIPOR2 is on the minus strand). VCF-style: chr6-24842955-A-G. GRCh37 (hg19) VCF-style: chr6-24843183-A-G.
Other names: c.1779T>C, p.Asn593= (NM_001286446.3); c.1677T>C, p.Asn559= (NM_001286447.2, NM_001346031.2, NM_001346032.2 and 1 more transcripts); c.1827T>C, p.Asn609= (NM_014722.5).
Identifiers: ClinVar variation 509122 (VCV000509122.55), dbSNP rs145837095, ClinGen allele CA3659192.